The following is an entry in ClinVar:

ClinVar aggregate classification (germline): Likely benign. Review status: criteria provided, single submitter (1 of 4 stars). 2 submissions from 2 submitters: Likely benign (1). 1 of the submissions does not count toward it. Last evaluated 2026-01-27.

Conditions:
Chédiak-Higashi syndrome (CHS). Also called: Chediak-Higashi Syndrome. Identifiers: Orphanet 167, MedGen C0007965, MONDO:0008963, OMIM 214500.
LYST-related disorder. Also called: LYST-related condition.

Allele frequency attached by ClinVar (database versions not stated): gnomAD exomes 0.00001; ExAC 0.00002; gnomAD 0.00002; TOPMed 0.00004; 1000 Genomes Project 30x 0.00016; 1000 Genomes Project 0.00020.
gnomAD v4.1: 14 of 1,613,338 alleles (0.00087%); highest among the groups gnomAD compares: Middle Eastern, 0.017%; no homozygotes.

Submissions (2):

Labcorp Genetics (formerly Invitae), Labcorp
Classification: Likely benign for Chédiak-Higashi syndrome. Last evaluated: 2026-01-27. Review status: criteria provided, single submitter. Criteria: Invitae Variant Classification Sherloc (09022015). Collection method: clinical testing. Allele origin: germline.

PreventionGenetics, part of Exact Sciences
Classification: Likely benign for LYST-related condition. Last evaluated: 2022-04-15. Review status: no assertion criteria provided. Collection method: clinical testing. Allele origin: germline. Not counted in ClinVar's aggregate classification.
Comment: This variant is classified as likely benign based on ACMG/AMP sequence variant interpretation guidelines (Richards et al. 2015 PMID: 25741868, with internal and published modifications).

NM_000081.4(LYST):c.7017C>T (p.Leu2339=)

Gene: LYST (lysosomal trafficking regulator; minus strand). Cytogenetic location: 1q42.3.
Variant type: single nucleotide variant.
Coding change: c.7017C>T on transcript NM_000081.4 (MANE Select); coding-DNA position 7017, C replaced by T.
Protein change: p.Leu2339=; no amino-acid change (leucine 2339 retained).
Molecular consequence: synonymous variant.
Genome position (GRCh38, 1-based): chr1:235,757,323, G>A on the plus strand (C>T on the coding strand, the complement: LYST is on the minus strand). VCF-style: chr1-235757323-G-A. GRCh37 (hg19) VCF-style: chr1-235920623-G-A.
Other names: c.7017C>T, p.Leu2339= (NM_001301365.1).
Identifiers: ClinVar variation 2734012 (VCV002734012.5), dbSNP rs201154390, ClinGen allele CA1466250.